The following is an entry in ClinVar:

NM_016341.4(PLCE1):c.3097-695G>C

Gene: PLCE1 (phospholipase C epsilon 1; plus strand). Cytogenetic location: 10q23.33.
Variant type: single nucleotide variant.
Coding change: c.3097-695G>C on transcript NM_016341.4 (MANE Select); 695 bases into the intron before coding-DNA position 3097, G replaced by C.
Molecular consequence: intron variant.
Genome position (GRCh38, 1-based): chr10:94,251,621, G>C. VCF-style: chr10-94251621-G-C. GRCh37 (hg19) VCF-style: chr10-96011378-G-C.
Other names: c.3097-695G>C (NM_001288989.2); c.2173-695G>C (NM_001165979.2).
Identifiers: ClinVar variation 3338141 (VCV003338141.1).

ClinVar aggregate classification (germline): Uncertain significance (0 of 4 stars; one submission).

Conditions:
Kidney disorder. Also called: Nephropathy; Kidney disease; Kidney Diseases; renal disorder; renal disease. Identifiers: MedGen C0022658, MONDO:0005240, HP:0000112.

gnomAD v4.1: 99 of 152,310 alleles (0.065%); highest among the groups gnomAD compares: Middle Eastern, 0.68%; no homozygotes.

Submission:

Joint Genome Diagnostic Labs from Nijmegen and Maastricht, Radboudumc and MUMC+
Classification: Uncertain significance for renal disorder. Review status: no assertion criteria provided. Collection method: clinical testing. Allele origin: germline. Affected: yes.